The following is an entry in ClinVar:

ClinVar aggregate classification (germline): Likely benign (1 of 4 stars; one submission).

Submission:

CeGaT Center for Human Genetics Tuebingen
Classification: Likely benign. Last evaluated: 2026-10-01. Review status: criteria provided, single submitter. Criteria: CeGaT Center For Human Genetics Tuebingen Variant Classification Criteria Version 2. Collection method: clinical testing. Allele origin: germline. Affected: yes. Observed: 1 variant allele.
Comment: TFRC: PM2:Supporting, BP4, BP7

NM_001128148.3(TFRC):c.1173A>G (p.Gly391=)

Gene: TFRC (transferrin receptor; minus strand). Cytogenetic location: 3q29.
Variant type: single nucleotide variant.
Coding change: c.1173A>G on transcript NM_001128148.3 (MANE Select); coding-DNA position 1173, A replaced by G.
Protein change: p.Gly391=; no amino-acid change (glycine 391 retained).
Molecular consequence: synonymous variant.
Genome position (GRCh38, 1-based): chr3:196,065,468, T>C on the plus strand (A>G on the coding strand, the complement: TFRC is on the minus strand). VCF-style: chr3-196065468-T-C. GRCh37 (hg19) VCF-style: chr3-195792339-T-C.
Other names: c.930A>G, p.Gly310= (NM_001313965.2); c.327A>G, p.Gly109= (NM_001313966.2); c.1173A>G, p.Gly391= (NM_003234.4).
Identifiers: ClinVar variation 5040868 (VCV005040868.1).